The following is an entry in ClinVar:

NM_021072.4(HCN1):c.1031A>C (p.Gln344Pro)

Gene: HCN1 (hyperpolarization activated cyclic nucleotide gated potassium channel 1; minus strand). Cytogenetic location: 5p12.
Variant type: single nucleotide variant.
Coding change: c.1031A>C on transcript NM_021072.4 (MANE Select); coding-DNA position 1031, A replaced by C.
Protein change: p.Gln344Pro; replaces glutamine 344 with proline.
Molecular consequence: missense variant.
Genome position (GRCh38, 1-based): chr5:45,396,691, T>G on the plus strand (A>C on the coding strand, the complement: HCN1 is on the minus strand). VCF-style: chr5-45396691-T-G. GRCh37 (hg19) VCF-style: chr5-45396793-T-G.
Other names: short protein forms Q344P.
Identifiers: ClinVar variation 2662338 (VCV002662338.1), dbSNP rs754168983, ClinGen allele CA359705623.

ClinVar aggregate classification (germline): Uncertain significance (1 of 4 stars; one submission).

Submission:

GeneDx
Classification: Uncertain significance. Last evaluated: 2023-05-14. Review status: criteria provided, single submitter. Criteria: GeneDx Variant Classification Process June 2021. Collection method: clinical testing. Allele origin: germline. Affected: yes.
Comment: Not observed at significant frequency in large population cohorts (gnomAD); In silico analysis supports that this missense variant has a deleterious effect on protein structure/function; Has not been previously published as pathogenic or benign to our knowledge